The following is an entry in ClinVar:

NM_206933.4(USH2A):c.1245del (p.Phe415fs)

Gene: USH2A (usherin; minus strand). Cytogenetic location: 1q41.
Variant type: Deletion.
Coding change: c.1245del on transcript NM_206933.4 (MANE Select); coding-DNA position 1245, one base deleted (T; older notation c.1245delT).
Protein change: p.Phe415fs; shifts the reading frame from phenylalanine 415.
Molecular consequence: frameshift variant.
Genome position (GRCh38, 1-based): chr1:216,324,251, A deleted on the plus strand (T on the coding strand, the reverse complement: USH2A is on the minus strand); the first of 4 consecutive A bases (chr1:216,324,251-216,324,254); deleting any one gives the same sequence. VCF-style (leftmost placement, unchanged base first): chr1-216324250-CA-C. GRCh37 (hg19) VCF-style: chr1-216497592-CA-C.
Other names: c.1245del, p.Phe415fs (NM_007123.6); short protein forms F415fs.
Identifiers: ClinVar variation 4817086 (VCV004817086.1).

ClinVar aggregate classification (germline): Likely pathogenic (1 of 4 stars; one submission).

Conditions:
Usher syndrome type 2A. Also called: RETINAL DISEASE IN USHER SYNDROME TYPE IIA, MODIFIER OF; USHER SYNDROME, TYPE IIA. Identifiers: Orphanet 231178, Orphanet 886, MedGen C1848634, MONDO:0010169, OMIM 276901.

Submission:

Natera, Inc.
Classification: Likely pathogenic for Usher syndrome type 2A. Last evaluated: 2025-12-22. Review status: criteria provided, single submitter. Criteria: Natera Variant Classification Schema (03/2026). Collection method: clinical testing. Allele origin: germline.
Comment: The c.1245del variant in USH2A is a frameshift variant predicted to shift the reading frame beginning at codon 415 and leads to a stop codon 10 codons downstream. This variant is expected to result in nonsense mediated decay, truncation, or a dysfunctional protein product. This variant is rare in the general population with a frequency below the threshold expected for the associated phenotype(s). Given the available evidence, this variant is classified as Likely Pathogenic.